The following is an entry in ClinVar:

NM_006059.4(LAMC3):c.1975G>A (p.Ala659Thr)

Gene: LAMC3 (laminin subunit gamma 3; plus strand). Cytogenetic location: 9q34.12.
Variant type: single nucleotide variant.
Coding change: c.1975G>A on transcript NM_006059.4 (MANE Select); coding-DNA position 1975, G replaced by A.
Protein change: p.Ala659Thr; replaces alanine 659 with threonine.
Molecular consequence: missense variant.
Genome position (GRCh38, 1-based): chr9:131,056,964, G>A. VCF-style: chr9-131056964-G-A. GRCh37 (hg19) VCF-style: chr9-133932351-G-A.
Other names: c.1975G>A (NM_006059.3); short protein forms A659T.
Identifiers: ClinVar variation 1937445 (VCV001937445.3), dbSNP rs141075974, ClinGen allele CA5287296.

ClinVar aggregate classification (germline): Uncertain significance. Review status: criteria provided, multiple submitters, no conflicts (2 of 4 stars). 2 submissions from 2 submitters: Uncertain significance (2). Last evaluated 2025-06-18.

Conditions:
Inborn genetic diseases. Identifiers: MedGen C0950123, MeSH D030342.

gnomAD v4.1: 27 of 1,613,392 alleles (0.0017%); highest among the groups gnomAD compares: South Asian, 0.0033%; no homozygotes.

Submissions (2):

Ambry Genetics
Classification: Uncertain significance for Inborn genetic diseases. Last evaluated: 2025-06-18. Review status: criteria provided, single submitter. Criteria: Ambry Variant Classification Scheme 2023. Collection method: clinical testing. Allele origin: germline.

Labcorp Genetics (formerly Invitae), Labcorp
Classification: Uncertain significance. Last evaluated: 2022-07-11. Review status: criteria provided, single submitter. Criteria: Invitae Variant Classification Sherloc (09022015). Collection method: clinical testing. Allele origin: germline.
Comment: This sequence change replaces alanine, which is neutral and non-polar, with threonine, which is neutral and polar, at codon 659 of the LAMC3 protein (p.Ala659Thr). This variant is present in population databases (rs141075974, gnomAD 0.006%). This variant has not been reported in the literature in individuals affected with LAMC3-related conditions. Algorithms developed to predict the effect of missense changes on protein structure and function (SIFT, PolyPhen-2, Align-GVGD) all suggest that this variant is likely to be disruptive. In summary, the available evidence is currently insufficient to determine the role of this variant in disease. Therefore, it has been classified as a Variant of Uncertain Significance.